The following is an entry in ClinVar:

NM_001278669.2(NFATC1):c.1851T>C (p.Ser617=)

Gene: NFATC1 (nuclear factor of activated T cells 1; plus strand). Cytogenetic location: 18q23.
Variant type: single nucleotide variant.
Coding change: c.1851T>C on transcript NM_001278669.2 (MANE Select); coding-DNA position 1851, T replaced by C.
Protein change: p.Ser617=; no amino-acid change (serine 617 retained).
Molecular consequence: synonymous variant.
Genome position (GRCh38, 1-based): chr18:79,451,764, T>C. VCF-style: chr18-79451764-T-C. GRCh37 (hg19) VCF-style: chr18-77211764-T-C.
Other names: c.1851T>C, p.Ser617= (NM_001278670.2, NM_006162.5, NM_172390.3); c.1812T>C, p.Ser604= (NM_001278672.2, NM_001278675.2, NM_172387.3 and 1 more transcripts); c.435T>C, p.Ser145= (NM_001278673.2, NM_172388.3); c.1851T>C (NM_001278669.1).
Identifiers: ClinVar variation 1664128 (VCV001664128.11), dbSNP rs15350, ClinGen allele CA9009361.
Genomic context (GRCh38, chr18:79,451,764, plus strand): 5'-GGTGGAGAAGCAGAGCACGGACAGCTATCCGGTCGTGGGCGGGAAGAAGATGGTCCTGTC[T>C]GGCCACAACTTCCTGCAGGACTCCAAGGTCATTTTCGTGGAGAAAGCCCCAGGTATGCTC-3'
Protein context (NP_001265598.1, residues 607-627): PVVGGKKMVL[Ser617=]GHNFLQDSKV

ClinVar aggregate classification (germline): Benign. Review status: criteria provided, multiple submitters, no conflicts (2 of 4 stars). 3 submissions from 3 submitters: Benign (2). 1 of the submissions does not count toward it. Last evaluated 2026-02-03.

Conditions:
NFATC1-related disorder. Also called: NFATC1-related condition.

Allele frequency attached by ClinVar (database versions not stated): ExAC 0.19205; gnomAD 0.23398 and 0.23560; TOPMed 0.24910; gnomAD exomes 0.18614 and 0.15484; 1000 Genomes Project 0.28454; 1000 Genomes Project 30x 0.28623; ESP Exome Variant Server 0.24027.
gnomAD v4.1: 263,655 of 1,612,000 alleles (16%); highest among the groups gnomAD compares: African/African-American, 42%; 26,788 homozygotes.

Submissions (3):

Labcorp Genetics (formerly Invitae), Labcorp
Classification: Benign. Last evaluated: 2026-02-03. Review status: criteria provided, single submitter. Criteria: Invitae Variant Classification Sherloc (09022015). Collection method: clinical testing. Allele origin: germline.

Breakthrough Genomics
Classification: Benign. Review status: criteria provided, single submitter. Criteria: ACMG Guidelines, 2015. Collection method: not provided. Allele origin: germline. Inheritance: Unknown mechanism. Affected: yes.

PreventionGenetics, part of Exact Sciences
Classification: Benign for NFATC1-related condition. Last evaluated: 2019-11-06. Review status: no assertion criteria provided. Collection method: clinical testing. Allele origin: germline. Not counted in ClinVar's aggregate classification.
Comment: This variant is classified as benign based on ACMG/AMP sequence variant interpretation guidelines (Richards et al. 2015 PMID: 25741868, with internal and published modifications).